The following is an entry in ClinVar:

NM_006016.6(CD164):c.402A>G (p.Thr134=)

Gene: CD164 (CD164 molecule; minus strand). Cytogenetic location: 6q21.
Variant type: single nucleotide variant.
Coding change: c.402A>G on transcript NM_006016.6 (MANE Select); coding-DNA position 402, A replaced by G.
Protein change: p.Thr134=; no amino-acid change (threonine 134 retained).
Molecular consequence: synonymous variant. On other transcripts: intron variant (1).
Genome position (GRCh38, 1-based): chr6:109,370,436, T>C on the plus strand (A>G on the coding strand, the complement: CD164 is on the minus strand). VCF-style: chr6-109370436-T-C. GRCh37 (hg19) VCF-style: chr6-109691639-T-C.
Other names: c.363A>G, p.Thr121= (NM_001142401.3); c.402A>G, p.Thr134= (NM_001142403.3, NM_001142404.3); c.300A>G, p.Thr100= (NM_001346500.2); c.371-1419A>G (NM_001142402.3).
Identifiers: ClinVar variation 509119 (VCV000509119.15), dbSNP rs9480941, ClinGen allele CA3951547.

ClinVar aggregate classification (germline): Benign. Review status: criteria provided, multiple submitters, no conflicts (2 of 4 stars). 3 submissions from 3 submitters: Benign (3). Last evaluated 2026-02-01.

Allele frequency attached by ClinVar (database versions not stated): gnomAD exomes 0.00145 and 0.00398; ExAC 0.00495; gnomAD 0.01606 and 0.01704; 1000 Genomes Project 0.01737; TOPMed 0.01750; ESP Exome Variant Server 0.01830; 1000 Genomes Project 30x 0.02030.
gnomAD v4.1: 4,663 of 1,613,314 alleles (0.29%); highest among the groups gnomAD compares: African/African-American, 5.5%; 125 homozygotes.

Submissions (3):

Labcorp Genetics (formerly Invitae), Labcorp
Classification: Benign. Last evaluated: 2026-02-01. Review status: criteria provided, single submitter. Criteria: Invitae Variant Classification Sherloc (09022015). Collection method: clinical testing. Allele origin: germline.

GeneDx
Classification: Benign. Last evaluated: 2017-12-18. Review status: criteria provided, single submitter. Criteria: GeneDx Variant Classification (06012015). Collection method: clinical testing. Allele origin: germline. Affected: yes.
Comment: This variant is considered likely benign or benign based on one or more of the following criteria: it is a conservative change, it occurs at a poorly conserved position in the protein, it is predicted to be benign by multiple in silico algorithms, and/or has population frequency not consistent with disease.

Laboratory for Molecular Medicine, Mass General Brigham Personalized Medicine
Classification: Benign. Last evaluated: 2017-08-23. Review status: criteria provided, single submitter. Criteria: LMM Criteria. Collection method: clinical testing. Allele origin: germline. Observed: 3 variant alleles.
Comment: p.Thr134Thr in exon 5 of CD164: This variant is not expected to have clinical si gnificance because it does not alter an amino acid residue, is not located withi n the splice consensus sequence, and has been identified in 5.38% (559/10396) of African chromosomes by the Exome Aggregation Consortium (ExAC; dbSNP rs9480941).